The following is an entry in ClinVar:

NM_001110556.2(FLNA):c.1088A>G (p.Gln363Arg)

Gene: FLNA (filamin A; minus strand). Cytogenetic location: Xq28.
Variant type: single nucleotide variant.
Coding change: c.1088A>G on transcript NM_001110556.2 (MANE Select); coding-DNA position 1088, A replaced by G.
Protein change: p.Gln363Arg; replaces glutamine 363 with arginine.
Molecular consequence: missense variant.
Genome position (GRCh38, 1-based): chrX:154,366,448, T>C on the plus strand (A>G on the coding strand, the complement: FLNA is on the minus strand). VCF-style: chrX-154366448-T-C. GRCh37 (hg19) VCF-style: chrX-153594816-T-C.
Other names: c.1088A>G, p.Gln363Arg (NM_001456.4); short protein forms Q363R.
Identifiers: ClinVar variation 1394812 (VCV001394812.8), dbSNP rs1557179289, ClinGen allele CA415246759.

ClinVar aggregate classification (germline): Uncertain significance (1 of 4 stars; one submission).

Conditions:
Heterotopia, periventricular, X-linked dominant (PVNH1). Also called: PERIVENTRICULAR NODULAR HETEROTOPIA 4; HETEROTOPIA, PERIVENTRICULAR, 1; PERIVENTRICULAR NODULAR HETEROTOPIA 1; X-linked periventricular heterotopia. Identifiers: Orphanet 2149, Orphanet 82004, MedGen C1848213, MONDO:0010233, OMIM 300049.
Melnick-Needles syndrome (MNS). Also called: MELNICK-NEEDLES OSTEODYSPLASTY; OSTEODYSPLASTY OF MELNICK AND NEEDLES; Melnick-Needles Syndrome (FLNA-MNS). Identifiers: Orphanet 2484, MedGen C0025237, MONDO:0010650, OMIM 309350.
Frontometaphyseal dysplasia (FMD1). Identifiers: Orphanet 1826, MedGen C0265293, MONDO:0015942.
Oto-palato-digital syndrome, type II (OPD2). Also called: FACIOPALATOOSSEOUS SYNDROME; OPD II SYNDROME; Otopalatodigital Syndrome, Type II; Otopalatodigital Syndrome Type 2 (FLNA-OPD2). Identifiers: Orphanet 669, Orphanet 90652, MedGen C1844696, MONDO:0010571, OMIM 304120.

Submission:

Labcorp Genetics (formerly Invitae), Labcorp
Classification: Uncertain significance for Oto-palato-digital syndrome, type II; Heterotopia, periventricular, X-linked dominant; Frontometaphyseal dysplasia; Melnick-Needles syndrome. Last evaluated: 2022-03-02. Review status: criteria provided, single submitter. Criteria: Invitae Variant Classification Sherloc (09022015). Collection method: clinical testing. Allele origin: germline.
Comment: This variant has not been reported in the literature in individuals affected with FLNA-related conditions. In summary, the available evidence is currently insufficient to determine the role of this variant in disease. Therefore, it has been classified as a Variant of Uncertain Significance. Algorithms developed to predict the effect of sequence changes on RNA splicing suggest that this variant may disrupt the consensus splice site. Advanced modeling of protein sequence and biophysical properties (such as structural, functional, and spatial information, amino acid conservation, physicochemical variation, residue mobility, and thermodynamic stability) performed at Invitae indicates that this missense variant is not expected to disrupt FLNA protein function. This variant is not present in population databases (gnomAD no frequency). This sequence change replaces glutamine, which is neutral and polar, with arginine, which is basic and polar, at codon 363 of the FLNA protein (p.Gln363Arg).